The following is an entry in ClinVar:

NM_020693.4(DSCAML1):c.2942C>G (p.Thr981Ser)

Gene: DSCAML1 (DS cell adhesion molecule like 1; minus strand). Cytogenetic location: 11q23.3.
Variant type: single nucleotide variant.
Coding change: c.2942C>G on transcript NM_020693.4 (MANE Select); coding-DNA position 2942, C replaced by G.
Protein change: p.Thr981Ser; replaces threonine 981 with serine.
Molecular consequence: missense variant.
Genome position (GRCh38, 1-based): chr11:117,471,880, G>C on the plus strand (C>G on the coding strand, the complement: DSCAML1 is on the minus strand). VCF-style: chr11-117471880-G-C. GRCh37 (hg19) VCF-style: chr11-117342595-G-C.
Other names: short protein forms T981S.
Identifiers: ClinVar variation 1996817 (VCV001996817.4), dbSNP rs1259286271, ClinGen allele CA382742797.

ClinVar aggregate classification (germline): Uncertain significance (1 of 4 stars; one submission).

Allele frequency attached by ClinVar (database versions not stated): gnomAD exomes below 0.00001.
gnomAD v4.1: 3 of 1,572,640 alleles (0.00019%); highest among the groups gnomAD compares: Non-Finnish European, 0.00026%; no homozygotes.

Submission:

Labcorp Genetics (formerly Invitae), Labcorp
Classification: Uncertain significance. Last evaluated: 2022-07-18. Review status: criteria provided, single submitter. Criteria: Invitae Variant Classification Sherloc (09022015). Collection method: clinical testing. Allele origin: germline.
Comment: In summary, the available evidence is currently insufficient to determine the role of this variant in disease. Therefore, it has been classified as a Variant of Uncertain Significance. Algorithms developed to predict the effect of missense changes on protein structure and function are either unavailable or do not agree on the potential impact of this missense change (SIFT: "Deleterious"; PolyPhen-2: "Possibly Damaging"; Align-GVGD: "Class C0"). This variant has not been reported in the literature in individuals affected with DSCAML1-related conditions. This variant is not present in population databases (gnomAD no frequency). This sequence change replaces threonine, which is neutral and polar, with serine, which is neutral and polar, at codon 1041 of the DSCAML1 protein (p.Thr1041Ser).